The following is an entry in ClinVar:

NM_007294.4(BRCA1):c.3889del (p.Ser1297fs)

Genes: BRCA1 (BRCA1 DNA repair associated; minus strand), LOC126862571 (BRD4-independent group 4 enhancer GRCh37_chr17:41243136-41244335; plus strand). Cytogenetic location: 17q21.31.
Variant type: Deletion.
Coding change: c.3889del on transcript NM_007294.4 (MANE Select); coding-DNA position 3889, one base deleted (T; older notation c.3889delT).
Protein change: p.Ser1297fs; shifts the reading frame from serine 1297.
Molecular consequence: frameshift variant. On other transcripts: intron variant (135).
Genome position (GRCh38, 1-based): chr17:43,091,642, A deleted on the plus strand (T on the coding strand, the reverse complement: BRCA1 is on the minus strand); the first of 4 consecutive A bases (chr17:43,091,642-43,091,645); deleting any one gives the same sequence. VCF-style (leftmost placement, unchanged base first): chr17-43091641-GA-G. GRCh37 (hg19) VCF-style: chr17-41243658-GA-G.
Other names: c.3889delT (NM_007294.3); c.3676del, p.Ser1226fs (NM_001407571.1, NM_001407853.1, NM_001407894.1 and 9 more transcripts); c.3889del, p.Ser1297fs (NM_001407581.1, NM_001407582.1, NM_001407583.1 and 30 more transcripts); c.3886del, p.Ser1296fs (NM_001407587.1, NM_001407590.1, NM_001407591.1 and 22 more transcripts); c.3880del, p.Ser1294fs (NM_001407647.1, NM_001407646.1); c.3766del, p.Ser1256fs (NM_001407648.1, NM_001407667.1, NM_001407668.1 and 19 more transcripts); c.3763del, p.Ser1255fs (NM_001407649.1, NM_001407670.1, NM_001407671.1 and 11 more transcripts); c.3811del, p.Ser1271fs (NM_001407653.1, NM_001407654.1, NM_001407655.1 and 4 more transcripts); and 42 more; short protein forms S1250fs, S1297fs, S1129fs, S1255fs, S1256fs, S429fs, S1169fs, S1185fs.
Identifiers: ClinVar variation 254446 (VCV000254446.3), dbSNP rs886038027, ClinGen allele CA10586616.

ClinVar aggregate classification (germline): Pathogenic (3 of 4 stars; one submission).

Conditions:
Breast-ovarian cancer, familial, susceptibility to, 1 (BROVCA1). Also called: BRCA1 Hereditary Breast and Ovarian Cancer; OVARIAN CANCER, SUSCEPTIBILITY TO. Identifiers: Orphanet 145, MedGen C2676676, MONDO:0011450, OMIM 604370. Disease mechanism: loss of function.

Submission:

Evidence-based Network for the Interpretation of Germline Mutant Alleles (ENIGMA)
Classification: Pathogenic for Breast-ovarian cancer, familial, susceptibility to, 1. Last evaluated: 2016-09-08. Review status: reviewed by expert panel. Criteria: ENIGMA BRCA1/2 Classification Criteria (2015). Collection method: curation. Allele origin: germline.
Comment: Variant allele predicted to encode a truncated non-functional protein.